The following is an entry in ClinVar:

NM_004820.5(CYP7B1):c.909G>A (p.Trp303Ter)

Gene: CYP7B1 (cytochrome P450 family 7 subfamily B member 1; minus strand). Cytogenetic location: 8q12.3.
Variant type: single nucleotide variant.
Coding change: c.909G>A on transcript NM_004820.5 (MANE Select); coding-DNA position 909, G replaced by A.
Protein change: p.Trp303Ter; replaces tryptophan 303 with a stop codon.
Molecular consequence: nonsense.
Genome position (GRCh38, 1-based): chr8:64,615,174, C>T on the plus strand (G>A on the coding strand, the complement: CYP7B1 is on the minus strand). VCF-style: chr8-64615174-C-T. GRCh37 (hg19) VCF-style: chr8-65527731-C-T.
Other names: c.909G>A, p.Trp303Ter (NM_001324112.2); short protein forms W303*.
Identifiers: ClinVar variation 2864838 (VCV002864838.3), dbSNP rs1805418179, ClinGen allele CA371334689.
Genomic context (GRCh38, chr8:64,615,174, plus strand): 5'-GTCAATTTCGTCACGCACTGCTGCCATAGCTTCTGGGTGCCGCAGAAGATAATACATTGC[C>T]CAGAACATAGTTGGAATAGTGTTTGCCACAGAGGCCCAGAGAAAGCCTAAATGATGTGCT-3'

ClinVar aggregate classification (germline): Pathogenic (1 of 4 stars; one submission).

Conditions:
Spastic paraplegia. Identifiers: MedGen C0037772, HP:0001258.

Submission:

Labcorp Genetics (formerly Invitae), Labcorp
Classification: Pathogenic for Spastic paraplegia. Last evaluated: 2023-05-16. Review status: criteria provided, single submitter. Criteria: Invitae Variant Classification Sherloc (09022015). Collection method: clinical testing. Allele origin: germline.
Comment: For these reasons, this variant has been classified as Pathogenic. This variant has not been reported in the literature in individuals affected with CYP7B1-related conditions. This variant is not present in population databases (gnomAD no frequency). This sequence change creates a premature translational stop signal (p.Trp303*) in the CYP7B1 gene. It is expected to result in an absent or disrupted protein product. Loss-of-function variants in CYP7B1 are known to be pathogenic (PMID: 9802883, 19363635, 19439420, 21541746, 21567895, 28039895).

Literature cited by the submitters: PubMed 9802883; PubMed 19363635; PubMed 19439420; PubMed 21541746; PubMed 21567895; PubMed 28039895.